The following continues an entry in ClinVar:

NM_201253.3(CRB1):c.2506C>A (p.Pro836Thr)

Gene: CRB1. ClinVar aggregate classification (germline): Pathogenic/Likely pathogenic. Pathogenic (13); Likely pathogenic (4).

Submissions 11 to 18 of 18:

Fulgent Genetics
Classification: Pathogenic for Pigmented paravenous retinochoroidal atrophy; Retinitis pigmentosa 12; Leber congenital amaurosis 8. Last evaluated: 2024-03-13. Review status: criteria provided, single submitter. Criteria: ACMG Guidelines, 2015. Collection method: clinical testing. Allele origin: germline.

Laboratorio de Genetica e Diagnostico Molecular, Hospital Israelita Albert Einstein
Classification: Pathogenic for Pigmented paravenous retinochoroidal atrophy. Last evaluated: 2023-01-06. Review status: criteria provided, single submitter. Criteria: ACMG Guidelines, 2015. Collection method: clinical testing. Allele origin: germline. Affected: yes. Observed: 1 variant allele.
Comment: ACMG classification criteria: PM3 very strong, PP1 supporting, PP3 supporting

Institute of Human Genetics, Univ. Regensburg, Univ. Regensburg
Classification: Likely pathogenic for Retinal dystrophy. Last evaluated: 2022-01-01. Review status: criteria provided, single submitter. Criteria: ACMG Guidelines, 2015. Collection method: clinical testing. Allele origin: germline. Affected: yes.

Department of Pathology and Laboratory Medicine, Sinai Health System
Classification: Pathogenic for hereditary macular dystrophy. Last evaluated: 2021-07-30. Review status: criteria provided, single submitter. Criteria: ACMG Guidelines, 2015. Collection method: research. Allele origin: germline.

Ocular Genomics Institute, Massachusetts Eye and Ear
Classification: Likely pathogenic for Retinitis pigmentosa 12. Last evaluated: 2021-04-08. Review status: criteria provided, single submitter. Criteria: ACMG Guidelines, 2015. Collection method: research. Allele origin: germline. Affected: yes.
Comment: Through a review of available evidence we were able to apply the following criteria: PM2, PP3, PM3-S. Based on this evidence we have classified this variant as Likely Pathogenic.

ARUP Laboratories, Molecular Genetics and Genomics, ARUP Laboratories
Classification: Likely pathogenic. Last evaluated: 2019-12-10. Review status: criteria provided, single submitter. Criteria: ARUP Molecular Germline Variant Investigation Process. Collection method: clinical testing. Allele origin: germline.
Comment: The CRB1 c.2506C>A; p.Pro836Thr variant (rs116471343) is reported in the literature in multiple individuals affected with retinal or macular dystrophies (Bujakowska 2012, den Hollander 2004, Henderson 2011, Motta 2017, Wolfson 2015). This variant has been found in affected individuals both in the homozygous state (Bujakowska 2012, Wolfson 2015) and in individuals that carried a second CRB1 variant (Bujakowska 2012, Henderson 2011, Motta 2017). The p.Pro836Thr variant is found in the African population with an overall allele frequency of 0.28% (70/24958 alleles) in the Genome Aggregation Database. The proline at codon 836 is highly conserved, and computational analyses (SIFT, PolyPhen-2) predict that this variant is deleterious. Based on available information, this variant is considered to be likely pathogenic. References: Bujakowska K et al. CRB1 mutations in inherited retinal dystrophies. Hum Mutat. 2012 Feb;33(2):306-15. den Hollander AI et al. CRB1 mutation spectrum in inherited retinal dystrophies. Hum Mutat. 2004 Nov;24(5):355-69. Henderson RH et al. Phenotypic variability in patients with retinal dystrophies due to mutations in CRB1. Br J Ophthalmol. 2011 Jun;95(6):811-7. Motta FL et al. The correlation between CRB1 variants and the clinical severity of Brazilian patients with different inherited retinal dystrophy phenotypes. Sci Rep. 2017 Aug 17;7(1):8654. Wolfson Y et al. CRB1-Related Maculopathy With Cystoid Macular Edema. JAMA Ophthalmol. 2015 Nov;133(11):1357-60.

Mendelics
Classification: Pathogenic for Leber congenital amaurosis 1. Last evaluated: 2019-05-28. Review status: criteria provided, single submitter. Criteria: Mendelics Assertion Criteria 2017. Collection method: clinical testing. Allele origin: unknown.

GeneDx
Classification: Uncertain significance. Last evaluated: 2016-11-29. Review status: flagged submission. Criteria: GeneDx Variant Classification (06012015). Collection method: clinical testing. Allele origin: germline. Affected: yes. Not counted in ClinVar's aggregate classification.
Comment: The P836T variant in the CRB1 gene has been reported previously in association with autosomal recessive retinitis pigmentosa (RP), cystoid macular edema with moderately decreased cone function, or early onset retinal dystrophy when present in the homozygous state or with a second variant detected in the CRB1 gene; however, in vitro functional studies were not included (Henderson et al., 2011; Bujakowska et al., 2012; Wolfson et al., 2015) Although not present in the homozygous state, the NHLBI ESP Exome Sequencing Project reports P836T was observed in 12/4406 (0.27%) alleles from individuals of African American background, indicating it may be a rare variant in this population. The P836T variant is a non-conservative amino acid substitution, which is likely to impact secondary protein structure as these residues differ in polarity, charge, size and/or other properties. This substitution occurs at a position that is conserved in mammals. In silico analysis predicts this variant is probably damaging to the protein structure/function. We interpret P836T as a variant of uncertain significance.
ClinVar note: Reason: Outlier claim with insufficient supporting evidence

Literature cited by the submitters: PubMed 20956273 (cited by 4 submitters); PubMed 22065545 (cited by 5 submitters); PubMed 28819299 (cited by 5 submitters); PubMed 35170635 (cited by Dasa and Institute of Human Genetics, Univ. Regensburg, Univ. Regensburg); PubMed 15459956 (cited by 3 submitters); PubMed 34884448 (cited by Natera, Inc. and Institute of Human Genetics, Univ. Regensburg, Univ. Regensburg); PubMed 32783370 (cited by Natera, Inc. and Institute of Human Genetics, Univ. Regensburg, Univ. Regensburg); PubMed 35672425 (cited by Women's Health and Genetics/Laboratory Corporation of America, LabCorp); PubMed 20981092 (cited by Institute of Human Genetics, Univ. Regensburg, Univ. Regensburg); PubMed 22995991 (cited by Institute of Human Genetics, Univ. Regensburg, Univ. Regensburg); PubMed 26312378 (cited by Institute of Human Genetics, Univ. Regensburg, Univ. Regensburg and Ocular Genomics Institute, Massachusetts Eye and Ear); PubMed 31964843 (cited by Institute of Human Genetics, Univ. Regensburg, Univ. Regensburg); PubMed 32865313 (cited by Institute of Human Genetics, Univ. Regensburg, Univ. Regensburg); PubMed 31736247 (cited by Institute of Human Genetics, Univ. Regensburg, Univ. Regensburg and Ocular Genomics Institute, Massachusetts Eye and Ear); PubMed 34426522 (cited by Institute of Human Genetics, Univ. Regensburg, Univ. Regensburg); PubMed 33749171 (cited by Institute of Human Genetics, Univ. Regensburg, Univ. Regensburg).